The following is an entry in ClinVar:

ClinVar aggregate classification (germline): Pathogenic/Likely pathogenic. Review status: criteria provided, multiple submitters, no conflicts (2 of 4 stars). 5 submissions from 5 submitters: Pathogenic (1); Likely pathogenic (3). 1 of the submissions does not count toward it. Last evaluated 2026-05-14.

Conditions:
SLC45A2-related disorder. Also called: SLC45A2-related condition.
Abnormal bleeding. Also called: Bleeding diathesis. Identifiers: MedGen C1458140, HP:0001892.
Thrombocytopenia. Identifiers: MedGen C0040034, MeSH D013921, MONDO:0002049, HP:0001873.
Oculocutaneous albinism type 4 (OCA4). Also called: Albinism, oculocutaneous, type IV. Identifiers: Orphanet 79435, MedGen C1847836, MONDO:0011683, OMIM 606574.

Allele frequency attached by ClinVar (database versions not stated): ExAC 0.00002; gnomAD 0.00002; TOPMed 0.00001; gnomAD exomes 0.00002.
gnomAD v4.1: 59 of 1,614,094 alleles (0.0037%); highest among the groups gnomAD compares: Non-Finnish European, 0.0044%; no homozygotes.

Submissions (5):

PreventionGenetics, part of Exact Sciences
Classification: Likely pathogenic for SLC45A2-related condition. Last evaluated: 2026-05-14. Review status: criteria provided, single submitter. Criteria: ACMG Guidelines, 2015. Collection method: clinical testing. Allele origin: germline.
Comment: The SLC45A2 c.1471G>A variant is predicted to result in the amino acid substitution p.Gly491Arg. This variant has been reported in the compound heterozygous state in individuals with oculocutaneous albinism (Table S5, Lasseaux et al. 2018. PubMed ID: 29345414; Moreno-Artero et al. 2022. PubMed ID: 36553465). This variant is present in 0.0080% of alleles in individuals of African descent in gnomAD. Given the evidence, we interpret this variant as likely pathogenic.

Labcorp Genetics (formerly Invitae), Labcorp
Classification: Pathogenic. Last evaluated: 2025-12-17. Review status: criteria provided, single submitter. Criteria: Invitae Variant Classification Sherloc (09022015). Collection method: clinical testing. Allele origin: germline.
Comment: This sequence change replaces glycine, which is neutral and non-polar, with arginine, which is basic and polar, at codon 491 of the SLC45A2 protein (p.Gly491Arg). This variant is present in population databases (rs779983065, gnomAD 0.008%). This missense change has been observed in individual(s) with oculocutaneous albinism (PMID: 29345414; internal data). In at least one individual the data is consistent with being in trans (on the opposite chromosome) from a pathogenic variant. ClinVar contains an entry for this variant (Variation ID: 988828). Invitae Evidence Modeling of protein sequence and biophysical properties (such as structural, functional, and spatial information, amino acid conservation, physicochemical variation, residue mobility, and thermodynamic stability) indicates that this missense variant is expected to disrupt SLC45A2 protein function with a positive predictive value of 80%. For these reasons, this variant has been classified as Pathogenic.

Women's Health and Genetics/Laboratory Corporation of America, LabCorp
Classification: Likely pathogenic for Oculocutaneous albinism type 4. Last evaluated: 2025-03-19. Review status: criteria provided, single submitter. Criteria: LabCorp Variant Classification Summary - May 2015. Collection method: clinical testing. Allele origin: germline.
Comment: Variant summary: SLC45A2 c.1471G>A (p.Gly491Arg) results in a non-conservative amino acid change in the encoded protein sequence. Five of five in-silico tools predict a damaging effect of the variant on protein function. The variant allele was found at a frequency of 2e-05 in 251186 control chromosomes. c.1471G>A has been reported in the literature in the compound heterozygous state in individuals affected with Oculocutaneous albinism type 4 (Lasseaux_2018, Moreno-Arero_2022). These data indicate that the variant is likely to be associated with disease. To our knowledge, no experimental evidence demonstrating an impact on protein function has been reported. The following publications have been ascertained in the context of this evaluation (PMID: 29345414, 36553465). ClinVar contains an entry for this variant (Variation ID: 988828). Based on the evidence outlined above, the variant was classified as likely pathogenic.

Blueprint Genetics
Classification: Likely pathogenic for SLC45A2-related disorders. Last evaluated: 2023-06-02. Review status: criteria provided, single submitter. Criteria: ACMG Guidelines, 2015. Collection method: clinical testing. Allele origin: germline. Affected: yes. Observed: 2 variant alleles.

Birmingham Platelet Group; University of Birmingham
Classification: Uncertain significance for Thrombocytopenia; Abnormal bleeding. Last evaluated: 2020-05-01. Review status: no assertion criteria provided. Collection method: research. Allele origin: germline. Affected: yes. Not counted in ClinVar's aggregate classification.

Literature cited by the submitters: PubMed 29345414 (cited by Labcorp Genetics (formerly Invitae), Labcorp and Women's Health and Genetics/Laboratory Corporation of America, LabCorp); PubMed 36553465 (cited by Women's Health and Genetics/Laboratory Corporation of America, LabCorp).

NM_016180.5(SLC45A2):c.1471G>A (p.Gly491Arg)

Gene: SLC45A2 (solute carrier family 45 member 2; minus strand). Cytogenetic location: 5p13.2.
Variant type: single nucleotide variant.
Coding change: c.1471G>A on transcript NM_016180.5 (MANE Select); coding-DNA position 1471, G replaced by A.
Protein change: p.Gly491Arg; replaces glycine 491 with arginine.
Molecular consequence: missense variant.
Genome position (GRCh38, 1-based): chr5:33,944,770, C>T on the plus strand (G>A on the coding strand, the complement: SLC45A2 is on the minus strand). VCF-style: chr5-33944770-C-T. GRCh37 (hg19) VCF-style: chr5-33944875-C-T.
Other names: c.1471G>A (NM_016180.4); short protein forms G491R.
Identifiers: ClinVar variation 988828 (VCV000988828.8), dbSNP rs779983065, ClinGen allele CA3225447.